The following is an entry in ClinVar:

ClinVar aggregate classification (germline): Uncertain significance (1 of 4 stars; one submission).

Allele frequency attached by ClinVar (database versions not stated): ExAC 0.00001; gnomAD exomes 0.00003.
gnomAD v4.1: 38 of 1,600,310 alleles (0.0024%); highest among the groups gnomAD compares: Non-Finnish European, 0.0032%; no homozygotes.

Submission:

Labcorp Genetics (formerly Invitae), Labcorp
Classification: Uncertain significance. Last evaluated: 2022-10-05. Review status: criteria provided, single submitter. Criteria: Invitae Variant Classification Sherloc (09022015). Collection method: clinical testing. Allele origin: germline.
Comment: In summary, the available evidence is currently insufficient to determine the role of this variant in disease. Therefore, it has been classified as a Variant of Uncertain Significance. Algorithms developed to predict the effect of missense changes on protein structure and function are either unavailable or do not agree on the potential impact of this missense change (SIFT: "Deleterious"; PolyPhen-2: "Probably Damaging"; Align-GVGD: "Class C0"). This variant has not been reported in the literature in individuals affected with SPEG-related conditions. This variant is present in population databases (rs762536434, gnomAD 0.002%). This sequence change replaces glutamic acid, which is acidic and polar, with valine, which is neutral and non-polar, at codon 2685 of the SPEG protein (p.Glu2685Val).

NM_005876.5(SPEG):c.8054A>T (p.Glu2685Val)

Genes: ASIC4-AS1 (ASIC4 antisense RNA 1; minus strand), SPEG (striated muscle enriched protein kinase; plus strand). Cytogenetic location: 2q35.
Variant type: single nucleotide variant.
Coding change: c.8054A>T on transcript NM_005876.5 (MANE Select); coding-DNA position 8054, A replaced by T.
Protein change: p.Glu2685Val; replaces glutamic acid 2685 with valine.
Molecular consequence: missense variant.
Genome position (GRCh38, 1-based): chr2:219,488,805, A>T. VCF-style: chr2-219488805-A-T. GRCh37 (hg19) VCF-style: chr2-220353527-A-T.
Other names: short protein forms E2685V.
Identifiers: ClinVar variation 1949887 (VCV001949887.5), dbSNP rs762536434, ClinGen allele CA2127378.